The following is an entry in ClinVar:

ClinVar aggregate classification (germline): Conflicting classifications of pathogenicity. Review status: criteria provided, conflicting classifications (1 of 4 stars). 6 submissions from 5 submitters: Uncertain significance (2); Benign (2); Likely benign (2). Last evaluated 2026-08-01.

Conditions:
Age related macular degeneration 6. Identifiers: MedGen C3151060, MONDO:0013406, OMIM 613757.
Cone-rod dystrophy 11 (CORD11). Identifiers: Orphanet 1872, MedGen C1835865, MONDO:0012483, OMIM 610381.

Allele frequency attached by ClinVar (database versions not stated): ExAC 0.00055; 1000 Genomes Project 0.00080; ESP Exome Variant Server 0.00085; TOPMed 0.00099; gnomAD 0.00108 and 0.00110; 1000 Genomes Project 30x 0.00109; gnomAD exomes 0.00121 and 0.00159.

Submissions (6):

CeGaT Center for Human Genetics Tuebingen
Classification: Likely benign. Last evaluated: 2026-08-01. Review status: criteria provided, single submitter. Criteria: CeGaT Center For Human Genetics Tuebingen Variant Classification Criteria Version 2. Collection method: clinical testing. Allele origin: germline. Affected: yes. Observed: 1 variant allele.
Comment: RAX2: BP4, BP7

Labcorp Genetics (formerly Invitae), Labcorp
Classification: Benign. Last evaluated: 2026-01-26. Review status: criteria provided, single submitter. Criteria: Invitae Variant Classification Sherloc (09022015). Collection method: clinical testing. Allele origin: germline.

Blueprint Genetics
Classification: Likely benign. Last evaluated: 2024-11-28. Review status: criteria provided, single submitter. Criteria: ACMG Guidelines, 2015. Collection method: clinical testing. Allele origin: germline.

Illumina Laboratory Services, Illumina
Classification: Uncertain significance for Cone-rod dystrophy 11. Last evaluated: 2018-01-12. Review status: criteria provided, single submitter. Criteria: ICSL Variant Classification Criteria 13 December 2019. Collection method: clinical testing. Allele origin: germline.

Illumina Laboratory Services, Illumina
Classification: Uncertain significance for Age related macular degeneration 6. Last evaluated: 2018-01-12. Review status: criteria provided, single submitter. Criteria: ICSL Variant Classification Criteria 13 December 2019. Collection method: clinical testing. Allele origin: germline.

PreventionGenetics, part of Exact Sciences
Classification: Benign. Review status: criteria provided, single submitter. Criteria: ACMG Guidelines, 2015. Collection method: clinical testing. Allele origin: germline.

NM_001319074.4(RAX2):c.432G>A (p.Ala144=)

Gene: RAX2 (retina and anterior neural fold homeobox 2; minus strand). Cytogenetic location: 19p13.3.
Variant type: single nucleotide variant.
Coding change: c.432G>A on transcript NM_001319074.4 (MANE Select); coding-DNA position 432, G replaced by A.
Protein change: p.Ala144=; no amino-acid change (alanine 144 retained).
Molecular consequence: synonymous variant.
Genome position (GRCh38, 1-based): chr19:3,770,744, C>T on the plus strand (G>A on the coding strand, the complement: RAX2 is on the minus strand). VCF-style: chr19-3770744-C-T. GRCh37 (hg19) VCF-style: chr19-3770742-C-T.
Other names: c.432G>A, p.Ala144= (NM_032753.4).
Identifiers: ClinVar variation 262101 (VCV000262101.16), dbSNP rs149918940, ClinGen allele CA9085036.